The following is an entry in ClinVar:

NM_022454.4(SOX17):c.623G>A (p.Ser208Asn)

Gene: SOX17 (SRY-box transcription factor 17; plus strand). Cytogenetic location: 8q11.23.
Variant type: single nucleotide variant.
Coding change: c.623G>A on transcript NM_022454.4 (MANE Select); coding-DNA position 623, G replaced by A.
Protein change: p.Ser208Asn; replaces serine 208 with asparagine.
Molecular consequence: missense variant.
Genome position (GRCh38, 1-based): chr8:54,459,373, G>A. VCF-style: chr8-54459373-G-A. GRCh37 (hg19) VCF-style: chr8-55371933-G-A.
Other names: c.623G>A (NM_022454.3); short protein forms S208N.
Identifiers: ClinVar variation 2981418 (VCV002981418.4), dbSNP rs1212075803, ClinGen allele CA371024813.

ClinVar aggregate classification (germline): Uncertain significance. Review status: criteria provided, multiple submitters, no conflicts (2 of 4 stars). 2 submissions from 2 submitters: Uncertain significance (2). Last evaluated 2025-06-18.

Conditions:
SOX17-related pulmonary arterial hypertension.

Allele frequency attached by ClinVar (database versions not stated): gnomAD 0.00002; TOPMed 0.00002.
gnomAD v4.1: 54 of 1,559,316 alleles (0.0035%); highest among the groups gnomAD compares: Non-Finnish European, 0.0045%; no homozygotes.

Submissions (2):

Labcorp Genetics (formerly Invitae), Labcorp
Classification: Uncertain significance. Last evaluated: 2025-06-18. Review status: criteria provided, single submitter. Criteria: Invitae Variant Classification Sherloc (09022015). Collection method: clinical testing. Allele origin: germline.
Comment: This sequence change replaces serine, which is neutral and polar, with asparagine, which is neutral and polar, at codon 208 of the SOX17 protein (p.Ser208Asn). The frequency data for this variant in the population databases is considered unreliable, as metrics indicate poor data quality at this position in the gnomAD database. This variant has not been reported in the literature in individuals affected with SOX17-related conditions. ClinVar contains an entry for this variant (Variation ID: 2981418). Invitae Evidence Modeling of protein sequence and biophysical properties (such as structural, functional, and spatial information, amino acid conservation, physicochemical variation, residue mobility, and thermodynamic stability) indicates that this missense variant is not expected to disrupt SOX17 protein function with a negative predictive value of 80%. In summary, the available evidence is currently insufficient to determine the role of this variant in disease. Therefore, it has been classified as a Variant of Uncertain Significance.

University of Washington Department of Laboratory Medicine, University of Washington
Classification: Uncertain significance for SOX17-related pulmonary arterial hypertension. Last evaluated: 2021-12-21. Review status: criteria provided, single submitter. Criteria: ACMG Guidelines, 2015. Collection method: clinical testing. Allele origin: unknown. Affected: yes.
Comment: The p.Ser208Asn variant in the SOX17 gene has not been previously reported in association with disease. This variant has been identified in 2/170854 chromosomes by the Genome Aggregation Database. In silico tools predict that the p.Ser208Asn variant does not impact protein function; however, these predictions have not been tested directly. Using ACMG guidelines, this variant was classified as a variant of uncertain significance (ACMG evidence codes used: PM2_supporting, BP4).